The following is an entry in ClinVar:

ClinVar aggregate classification (germline): Pathogenic/Likely pathogenic. Review status: criteria provided, multiple submitters, no conflicts (2 of 4 stars). 3 submissions from 3 submitters: Pathogenic (2); Likely pathogenic (1). Last evaluated 2024-08-01.

Conditions:
Neurofibromatosis, type 1 (NF1). Also called: VON RECKLINGHAUSEN DISEASE; NEUROFIBROMATOSIS, TYPE I, SOMATIC; Neurofibromatosis, type I; Peripheral type neurofibromatosis. Identifiers: Orphanet 636, MedGen C0027831, MONDO:0018975, OMIM 162200. Disease mechanism: loss of function.
Cardiovascular phenotype. Identifiers: MedGen CN230736.
Hereditary cancer-predisposing syndrome. Also called: Neoplastic Syndromes, Hereditary; Tumor predisposition; Hereditary Cancer Syndrome; Hereditary neoplastic syndrome. Identifiers: Orphanet 140162, MedGen C0027672, MeSH D009386, MONDO:0015356.

Submissions (3):

Labcorp Genetics (formerly Invitae), Labcorp
Classification: Pathogenic for Neurofibromatosis, type 1. Last evaluated: 2024-08-01. Review status: criteria provided, single submitter. Criteria: Invitae Variant Classification Sherloc (09022015). Collection method: clinical testing. Allele origin: germline.
Comment: This sequence change creates a premature translational stop signal (p.Asn1660*) in the NF1 gene. It is expected to result in an absent or disrupted protein product. Loss-of-function variants in NF1 are known to be pathogenic (PMID: 10712197, 23913538). This variant is not present in population databases (gnomAD no frequency). This variant has not been reported in the literature in individuals affected with NF1-related conditions. ClinVar contains an entry for this variant (Variation ID: 1744497). For these reasons, this variant has been classified as Pathogenic.

Laboratorio de Genetica e Diagnostico Molecular, Hospital Israelita Albert Einstein
Classification: Likely pathogenic for Neurofibromatosis, type 1. Last evaluated: 2022-09-09. Review status: criteria provided, single submitter. Criteria: ACMG Guidelines, 2015. Collection method: clinical testing. Allele origin: germline. Affected: yes. Observed: 1 variant allele.
Comment: ACMG classification criteria: PVS1 very strong, PM2 moderated

Ambry Genetics
Classification: Pathogenic for Cardiovascular phenotype; Hereditary cancer-predisposing syndrome. Last evaluated: 2021-04-15. Review status: criteria provided, single submitter. Criteria: Ambry Variant Classification Scheme 2023. Collection method: clinical testing. Allele origin: germline.
Comment: The c.4977dupT pathogenic mutation, located in coding exon 36 of the NF1 gene, results from a duplication of T at nucleotide position 4977, causing a translational frameshift with a predicted alternate stop codon (p.N1660*). This alteration is expected to result in loss of function by premature protein truncation or nonsense-mediated mRNA decay. As such, this alteration is interpreted as a disease-causing mutation.

Literature cited by the submitters: PubMed 10712197 (cited by Labcorp Genetics (formerly Invitae), Labcorp); PubMed 23913538 (cited by Labcorp Genetics (formerly Invitae), Labcorp).

NM_001042492.3(NF1):c.5040dup (p.Asn1681Ter)

Gene: NF1 (neurofibromin 1; plus strand). Cytogenetic location: 17q11.2.
Variant type: Duplication.
Coding change: c.5040dup on transcript NM_001042492.3 (MANE Select); coding-DNA position 5040, one base duplicated (T; older notation c.5040dupT).
Protein change: p.Asn1681Ter; replaces asparagine 1681 with a stop codon.
Molecular consequence: nonsense. On other transcripts: frameshift variant (1).
Genome position (GRCh38, 1-based): chr17:31,326,024, T duplicated. VCF-style (leftmost placement, unchanged base first): chr17-31326023-A-AT. GRCh37 (hg19) VCF-style: chr17-29653041-A-AT.
Other names: c.4977dupT (NM_000267.3); c.4977dup, p.Asn1660Terfs (NM_000267.4); short protein forms N1660*, N1681*.
Identifiers: ClinVar variation 1744497 (VCV001744497.8), dbSNP rs2508696394, ClinGen allele CA2580093005.